The following is an entry in ClinVar:

ClinVar aggregate classification (germline): Uncertain significance (1 of 4 stars; one submission).

Submission:

Labcorp Genetics (formerly Invitae), Labcorp
Classification: Uncertain significance. Last evaluated: 2025-10-23. Review status: criteria provided, single submitter. Criteria: Invitae Variant Classification Sherloc (09022015). Collection method: clinical testing. Allele origin: germline.
Comment: This sequence change replaces phenylalanine, which is neutral and non-polar, with leucine, which is neutral and non-polar, at codon 879 of the KAT6A protein (p.Phe879Leu). This variant is not present in population databases (gnomAD no frequency). This variant has not been reported in the literature in individuals affected with KAT6A-related conditions. Invitae Evidence Modeling of protein sequence and biophysical properties (such as structural, functional, and spatial information, amino acid conservation, physicochemical variation, residue mobility, and thermodynamic stability) indicates that this missense variant is not expected to disrupt KAT6A protein function with a negative predictive value of 95%. In summary, the available evidence is currently insufficient to determine the role of this variant in disease. Therefore, it has been classified as a Variant of Uncertain Significance.

NM_006766.5(KAT6A):c.2637T>G (p.Phe879Leu)

Gene: KAT6A (lysine acetyltransferase 6A; minus strand). Cytogenetic location: 8p11.21.
Variant type: single nucleotide variant.
Coding change: c.2637T>G on transcript NM_006766.5 (MANE Select); coding-DNA position 2637, T replaced by G.
Protein change: p.Phe879Leu; replaces phenylalanine 879 with leucine.
Molecular consequence: missense variant.
Genome position (GRCh38, 1-based): chr8:41,941,244, A>C on the plus strand (T>G on the coding strand, the complement: KAT6A is on the minus strand). VCF-style: chr8-41941244-A-C. GRCh37 (hg19) VCF-style: chr8-41798762-A-C.
Other names: short protein forms F879L.
Identifiers: ClinVar variation 4747338 (VCV004747338.1).